The following is an entry in ClinVar:

NM_001048174.2(MUTYH):c.434T>C (p.Leu145Pro)

Gene: MUTYH (mutY DNA glycosylase; minus strand). Cytogenetic location: 1p34.1.
Variant type: single nucleotide variant.
Coding change: c.434T>C on transcript NM_001048174.2 (MANE Select); coding-DNA position 434, T replaced by C.
Protein change: p.Leu145Pro; replaces leucine 145 with proline.
Molecular consequence: missense variant. On other transcripts: non-coding transcript variant (2).
Genome position (GRCh38, 1-based): chr1:45,332,821, A>G on the plus strand (T>C on the coding strand, the complement: MUTYH is on the minus strand). VCF-style: chr1-45332821-A-G. GRCh37 (hg19) VCF-style: chr1-45798493-A-G.
Other names: c.434T>C, p.Leu145Pro (NM_001048171.2, NM_001048173.2, NM_001293195.2); c.437T>C, p.Leu146Pro (NM_001048172.2); c.518T>C, p.Leu173Pro (NM_001128425.2); c.479T>C, p.Leu160Pro (NM_001293190.2); c.467T>C, p.Leu156Pro (NM_001293191.2); c.158T>C, p.Leu53Pro (NM_001293192.2, NM_001293196.2); c.89T>C, p.Leu30Pro (NM_001350650.2, NM_001350651.2); c.509T>C, p.Leu170Pro (NM_012222.3); short protein forms L146P, L156P, L160P, L173P, L145P, L30P, L53P, L170P.
Identifiers: ClinVar variation 825525 (VCV000825525.6), dbSNP rs1570423912, ClinGen allele CA340135806.

ClinVar aggregate classification (germline): Conflicting classifications of pathogenicity. Review status: criteria provided, conflicting classifications (1 of 4 stars). 2 submissions from 2 submitters: Likely pathogenic (1); Uncertain significance (1). Last evaluated 2025-10-09.

Conditions:
Hereditary cancer-predisposing syndrome. Also called: Tumor predisposition; Hereditary Cancer Syndrome; Hereditary neoplastic syndrome; Neoplastic Syndromes, Hereditary. Identifiers: Orphanet 140162, MedGen C0027672, MeSH D009386, MONDO:0015356.
Familial adenomatous polyposis 2. Also called: FAP type 2; MUTYH Polyposis; COLORECTAL ADENOMATOUS POLYPOSIS, AUTOSOMAL RECESSIVE; ADENOMAS, MULTIPLE COLORECTAL, AUTOSOMAL RECESSIVE; MUTYH-associated polyposis; MUTYH-related attenuated familial adenomatous polyposis. Identifiers: Orphanet 220460, Orphanet 247798, MedGen C3272841, MONDO:0012041, OMIM 608456.

Submissions (2):

Labcorp Genetics (formerly Invitae), Labcorp
Classification: Uncertain significance for Familial adenomatous polyposis 2. Last evaluated: 2025-10-09. Review status: criteria provided, single submitter. Criteria: Invitae Variant Classification Sherloc (09022015). Collection method: clinical testing. Allele origin: germline.
Comment: This sequence change replaces leucine, which is neutral and non-polar, with proline, which is neutral and non-polar, at codon 173 of the MUTYH protein (p.Leu173Pro). This variant is not present in population databases (gnomAD no frequency). This variant has not been reported in the literature in individuals affected with MUTYH-related conditions. ClinVar contains an entry for this variant (Variation ID: 825525). An algorithm developed to predict the effect of missense changes on protein structure and function (PolyPhen-2) suggests that this variant is likely to be disruptive. In summary, the available evidence is currently insufficient to determine the role of this variant in disease. Therefore, it has been classified as a Variant of Uncertain Significance.

Ambry Genetics
Classification: Likely pathogenic for Hereditary cancer-predisposing syndrome. Last evaluated: 2025-08-15. Review status: criteria provided, single submitter. Criteria: Ambry Variant Classification Scheme 2023. Collection method: clinical testing. Allele origin: germline.
Comment: The p.L173P variant (also known as c.518T>C), located in coding exon 7 of the MUTYH gene, results from a T to C substitution at nucleotide position 518. The leucine at codon 173 is replaced by proline, an amino acid with similar properties. In a massively parallel cell-based functional assay testing 7,8-dihydro-8- oxoguanine:adenine (8OG:A) repair activity, a byproduct of oxidative damage, this variant was reported to be non-functional (Hemker SL et al. Am J Hum Genet. Published online July 29, 2025. DOI: 10.1016/j.ajhg.2025.07.005). This amino acid position is not well conserved in available vertebrate species. In addition, this alteration is predicted to be deleterious by in silico analysis. This variant is considered to be rare based on population cohorts in the Genome Aggregation Database (gnomAD). Based on the majority of available evidence to date, this variant is likely to be pathogenic.

Literature cited by the submitters: PubMed 40738107 (cited by Ambry Genetics).